The following is an entry in ClinVar:

ClinVar aggregate classification (germline): Conflicting classifications of pathogenicity. Review status: criteria provided, conflicting classifications (1 of 4 stars). 4 submissions from 4 submitters: Uncertain significance (1); Benign (2); Likely benign (1). Last evaluated 2026-08-13.

Conditions:
NBAS-related disorder. Also called: NBAS-related condition.

Allele frequency attached by ClinVar (database versions not stated): gnomAD exomes 0.00025 and 0.00080; ExAC 0.00093; gnomAD 0.00243 and 0.00268; ESP Exome Variant Server 0.00254; TOPMed 0.00259; 1000 Genomes Project 0.00280; 1000 Genomes Project 30x 0.00297.

Submissions (5):

PreventionGenetics, part of Exact Sciences
Classification: Benign for NBAS-related condition. Last evaluated: 2026-08-13. Review status: criteria provided, single submitter. Criteria: ACMG Guidelines, 2015. Collection method: clinical testing. Allele origin: germline.
Comment: This variant is classified as benign based on ACMG/AMP sequence variant interpretation guidelines (Richards et al. 2015 PMID: 25741868, with internal and published modifications).

Labcorp Genetics (formerly Invitae), Labcorp
Classification: Benign. Last evaluated: 2026-01-31. Review status: criteria provided, single submitter. Criteria: Invitae Variant Classification Sherloc (09022015). Collection method: clinical testing. Allele origin: germline.

Blueprint Genetics
Classification: Likely benign. Last evaluated: 2024-10-24. Review status: criteria provided, single submitter. Criteria: ACMG Guidelines, 2015. Collection method: clinical testing. Allele origin: germline.

Genomic Diagnostic Laboratory, Division of Genomic Diagnostics, Children's Hospital of Philadelphia
Classification: Uncertain significance. Last evaluated: 2015-02-05. Review status: criteria provided, single submitter. Criteria: DGD Variant Analysis Guidelines. Collection method: clinical testing. Allele origin: unknown.

Dr. Peter K. Rogan Lab, Western University
No classification provided (evidence only). Condition: Uterine carcinosarcoma. Review status: no classification provided. Collection method: in vitro. Allele origin: not applicable. Functional consequence: retained intron. Not counted in ClinVar's aggregate classification.

NM_015909.4(NBAS):c.4822A>G (p.Met1608Val)

Gene: NBAS (NBAS subunit of NRZ tethering complex; minus strand). Cytogenetic location: 2p24.3.
Variant type: single nucleotide variant.
Coding change: c.4822A>G on transcript NM_015909.4 (MANE Select); coding-DNA position 4822, A replaced by G.
Protein change: p.Met1608Val; replaces methionine 1608 with valine.
Molecular consequence: missense variant. On other transcripts: non-coding transcript variant (1).
Genome position (GRCh38, 1-based): chr2:15,292,742, T>C on the plus strand (A>G on the coding strand, the complement: NBAS is on the minus strand). VCF-style: chr2-15292742-T-C. GRCh37 (hg19) VCF-style: chr2-15432866-T-C.
Other names: short protein forms M1608V.
Identifiers: ClinVar variation 218726 (VCV000218726.17), dbSNP rs140868609, ClinGen allele CA248969.
Genomic context (GRCh38, chr2:15,292,742, plus strand): 5'-GTGAAATAAGGTCTTCAGGCCAGGCTTCGTGCTCATGTCGAGTCACATGCCTGGTGACCA[T>C]CTTGATTAGTTCTTTGGGATCAGCCTATGAAAGACATGGAAAAGAAGACATTTTACCAAC-3'
Protein context (NP_056993.2, residues 1598-1618): YRADPKELIK[Met1608Val]VTRHVTRHEH